The following is an entry in ClinVar:

ClinVar aggregate classification (germline): Likely benign. Review status: criteria provided, multiple submitters, no conflicts (2 of 4 stars). 3 submissions from 3 submitters: Likely benign (2). 1 of the submissions does not count toward it. Last evaluated 2024-11-27.

Conditions:
NHLRC2-related disorder. Also called: NHLRC2-related condition.

Allele frequency attached by ClinVar (database versions not stated): ESP Exome Variant Server 0.00115; 1000 Genomes Project 0.00160; gnomAD exomes 0.00174; gnomAD 0.00184; 1000 Genomes Project 30x 0.00187; ExAC 0.00226; TOPMed 0.00233.
gnomAD v4.1: 2,825 of 1,571,170 alleles (0.18%); highest among the groups gnomAD compares: Middle Eastern, 0.97%; 13 homozygotes.

Submissions (3):

Blueprint Genetics
Classification: Likely benign. Last evaluated: 2024-11-27. Review status: criteria provided, single submitter. Criteria: ACMG Guidelines, 2015. Collection method: clinical testing. Allele origin: germline.

CeGaT Center for Human Genetics Tuebingen
Classification: Likely benign. Last evaluated: 2024-11-01. Review status: criteria provided, single submitter. Criteria: CeGaT Center For Human Genetics Tuebingen Variant Classification Criteria Version 2. Collection method: clinical testing. Allele origin: germline. Affected: yes. Observed: 1 variant allele.
Comment: NHLRC2: BP4, BS2

PreventionGenetics, part of Exact Sciences
Classification: Benign for NHLRC2-related condition. Last evaluated: 2019-05-10. Review status: no assertion criteria provided. Collection method: clinical testing. Allele origin: germline. Not counted in ClinVar's aggregate classification.
Comment: This variant is classified as benign based on ACMG/AMP sequence variant interpretation guidelines (Richards et al. 2015 PMID: 25741868, with internal and published modifications).

NM_198514.4(NHLRC2):c.1680T>C (p.Asp560=)

Gene: NHLRC2 (NHL repeat containing 2; plus strand). Cytogenetic location: 10q25.3.
Variant type: single nucleotide variant.
Coding change: c.1680T>C on transcript NM_198514.4 (MANE Select); coding-DNA position 1680, T replaced by C.
Protein change: p.Asp560=; no amino-acid change (aspartic acid 560 retained).
Molecular consequence: synonymous variant.
Genome position (GRCh38, 1-based): chr10:113,903,712, T>C. VCF-style: chr10-113903712-T-C. GRCh37 (hg19) VCF-style: chr10-115663471-T-C.
Identifiers: ClinVar variation 3041775 (VCV003041775.17), dbSNP rs10509995, ClinGen allele CA5698065.